The following is an entry in ClinVar:

ClinVar aggregate classification (germline): Uncertain significance (1 of 4 stars; one submission).

Conditions:
Spastic paraplegia. Identifiers: MedGen C0037772, HP:0001258.

Submission:

Labcorp Genetics (formerly Invitae), Labcorp
Classification: Uncertain significance for Spastic paraplegia. Last evaluated: 2022-07-11. Review status: criteria provided, single submitter. Criteria: Invitae Variant Classification Sherloc (09022015). Collection method: clinical testing. Allele origin: germline.
Comment: In summary, the available evidence is currently insufficient to determine the role of this variant in disease. Therefore, it has been classified as a Variant of Uncertain Significance. Algorithms developed to predict the effect of missense changes on protein structure and function are either unavailable or do not agree on the potential impact of this missense change (SIFT: "Deleterious"; PolyPhen-2: "Probably Damaging"; Align-GVGD: "Class C0"). ClinVar contains an entry for this variant (Variation ID: 1481772). This variant has not been reported in the literature in individuals affected with VAMP1-related conditions. This variant is not present in population databases (gnomAD no frequency). This sequence change replaces proline, which is neutral and non-polar, with leucine, which is neutral and non-polar, at codon 25 of the VAMP1 protein (p.Pro25Leu).

NM_014231.5(VAMP1):c.74C>T (p.Pro25Leu)

Genes: TAPBPL (TAP binding protein like; plus strand), VAMP1 (vesicle associated membrane protein 1; minus strand). Cytogenetic location: 12p13.31.
Variant type: single nucleotide variant.
Coding change: c.74C>T on transcript NM_014231.5 (MANE Select); coding-DNA position 74, C replaced by T.
Protein change: p.Pro25Leu; replaces proline 25 with leucine.
Molecular consequence: missense variant.
Genome position (GRCh38, 1-based): chr12:6,466,280, G>A on the plus strand (C>T on the coding strand, the complement: VAMP1 is on the minus strand). VCF-style: chr12-6466280-G-A. GRCh37 (hg19) VCF-style: chr12-6575446-G-A.
Other names: c.74C>T, p.Pro25Leu (NM_001297438.2, NM_016830.4, NM_199245.3); short protein forms P25L.
Identifiers: ClinVar variation 1481772 (VCV001481772.6), dbSNP rs2137008968, ClinGen allele CA383559604.